The following is an entry in ClinVar:

NM_001035.3(RYR2):c.2373C>T (p.Val791=)

Gene: RYR2 (ryanodine receptor 2; plus strand). Cytogenetic location: 1q43.
Variant type: single nucleotide variant.
Coding change: c.2373C>T on transcript NM_001035.3 (MANE Select); coding-DNA position 2373, C replaced by T.
Protein change: p.Val791=; no amino-acid change (valine 791 retained).
Molecular consequence: synonymous variant.
Genome position (GRCh38, 1-based): chr1:237,500,880, C>T. VCF-style: chr1-237500880-C-T. GRCh37 (hg19) VCF-style: chr1-237664180-C-T.
Other names: c.2373C>T (NM_001035.2).
Identifiers: ClinVar variation 1565338 (VCV001565338.12), dbSNP rs770431899, ClinGen allele CA086023.
Genomic context (GRCh38, chr1:237,500,880, plus strand): 5'-TGGACAACCTGTTCAAGGAATGTTTGAGAATTTCAACATCGATGGCCTCTTCTTTCCAGT[C>T]GTTAGTTTCTCTGCAGGAATAAAGTTAGTATGTCTATGTTTTTTGGTCTCTTTCCTTTCT-3'
Protein context (NP_001026.2, residues 781-801): NFNIDGLFFP[Val791=]VSFSAGIKVR

ClinVar aggregate classification (germline): Likely benign. Review status: criteria provided, multiple submitters, no conflicts (2 of 4 stars). 4 submissions from 4 submitters: Likely benign (4). Last evaluated 2025-10-23.

Conditions:
Catecholaminergic polymorphic ventricular tachycardia 1. Also called: RYR2-Related Catecholaminergic Polymorphic Ventricular Tachycardia; VENTRICULAR TACHYCARDIA, STRESS-INDUCED POLYMORPHIC 1; VENTRICULAR TACHYCARDIA, CATECHOLAMINERGIC POLYMORPHIC, 1, WITH OR WITHOUT ATRIAL DYSFUNCTION AND/OR DILATED CARDIOMYOPATHY. Identifiers: Orphanet 3286, MedGen C1631597, MONDO:0011484, OMIM 604772.
Catecholaminergic polymorphic ventricular tachycardia (CVPT). Also called: Catecholamine-induced polymorphic ventricular tachycardia. Identifiers: Orphanet 3286, MedGen C5574922, MONDO:0017990.
Cardiovascular phenotype. Identifiers: MedGen CN230736.

Allele frequency attached by ClinVar (database versions not stated): gnomAD 0.00001; ExAC 0.00002; TOPMed 0.00002.
gnomAD v4.1: 37 of 1,613,850 alleles (0.0023%); highest among the groups gnomAD compares: African/African-American, 0.004%; no homozygotes.

Submissions (4):

Labcorp Genetics (formerly Invitae), Labcorp
Classification: Likely benign for Catecholaminergic polymorphic ventricular tachycardia 1. Last evaluated: 2025-10-23. Review status: criteria provided, single submitter. Criteria: Invitae Variant Classification Sherloc (09022015). Collection method: clinical testing. Allele origin: germline.

All of Us Research Program, National Institutes of Health
Classification: Likely benign for Catecholaminergic polymorphic ventricular tachycardia. Last evaluated: 2024-02-05. Review status: criteria provided, single submitter. Criteria: ACMG Guidelines, 2015. Collection method: clinical testing. Allele origin: germline. Inheritance: Autosomal dominant inheritance. Observed: 1 variant allele, 1 heterozygote.
Comment: This study involves interpretation of variants in research participants for the purpose of population health screening. Participant phenotype was not available at the time of variant classification. Additional details can be found in publication PMID: 35346344, PMCID: PMC8962531

Ambry Genetics
Classification: Likely benign for Cardiovascular phenotype. Last evaluated: 2023-08-13. Review status: criteria provided, single submitter. Criteria: Ambry Variant Classification Scheme 2023. Collection method: clinical testing. Allele origin: germline.

Blueprint Genetics
Classification: Likely benign. Last evaluated: 2019-01-17. Review status: criteria provided, single submitter. Criteria: ACMG Guidelines, 2015. Collection method: clinical testing. Allele origin: germline.